The following is an entry in ClinVar:

NM_001385641.1(SAMD11):c.827G>A (p.Arg276Gln)

Gene: SAMD11 (sterile alpha motif domain containing 11; plus strand). Cytogenetic location: 1p36.33.
Variant type: single nucleotide variant.
Coding change: c.827G>A on transcript NM_001385641.1 (MANE Select); coding-DNA position 827, G replaced by A.
Protein change: p.Arg276Gln; replaces arginine 276 with glutamine.
Molecular consequence: missense variant.
Genome position (GRCh38, 1-based): chr1:931,074, G>A. VCF-style: chr1-931074-G-A. GRCh37 (hg19) VCF-style: chr1-866454-G-A.
Other names: c.827G>A, p.Arg276Gln (NM_001385640.1); c.290G>A, p.Arg97Gln (NM_152486.4); c.290G>A (NM_152486.2); short protein forms R97Q, R276Q.
Identifiers: ClinVar variation 1047625 (VCV001047625.9), dbSNP rs201828504, ClinGen allele CA502505.

ClinVar aggregate classification (germline): Uncertain significance. Review status: criteria provided, multiple submitters, no conflicts (2 of 4 stars). 3 submissions from 3 submitters: Uncertain significance (3). Last evaluated 2025-04-25.

Allele frequency attached by ClinVar (database versions not stated): gnomAD exomes 0.00001 and 0.00002; ExAC 0.00002; TOPMed 0.00002; gnomAD 0.00003 and 0.00004.
gnomAD v4.1: 18 of 1,612,492 alleles (0.0011%); highest among the groups gnomAD compares: Middle Eastern, 0.017%; no homozygotes.

Submissions (3):

Ambry Genetics
Classification: Uncertain significance. Last evaluated: 2025-04-25. Review status: criteria provided, single submitter. Criteria: Ambry Variant Classification Scheme 2023. Collection method: clinical testing. Allele origin: germline.

Labcorp Genetics (formerly Invitae), Labcorp
Classification: Uncertain significance. Last evaluated: 2021-11-09. Review status: criteria provided, single submitter. Criteria: Invitae Variant Classification Sherloc (09022015). Collection method: clinical testing. Allele origin: germline.
Comment: In summary, the available evidence is currently insufficient to determine the role of this variant in disease. Therefore, it has been classified as a Variant of Uncertain Significance. This sequence change replaces arginine, which is basic and polar, with glutamine, which is neutral and polar, at codon 97 of the SAMD11 protein (p.Arg97Gln). This variant is present in population databases (rs201828504, gnomAD 0.01%). This variant has not been reported in the literature in individuals affected with SAMD11-related conditions. ClinVar contains an entry for this variant (Variation ID: 1047625). Algorithms developed to predict the effect of missense changes on protein structure and function are either unavailable or do not agree on the potential impact of this missense change (SIFT: "Deleterious"; PolyPhen-2: "Benign"; Align-GVGD: "Class C0").

Blueprint Genetics
Classification: Uncertain significance. Last evaluated: 2019-07-04. Review status: criteria provided, single submitter. Criteria: ACMG Guidelines, 2015. Collection method: clinical testing. Allele origin: germline.